The following is an entry in ClinVar:

NM_000199.5(SGSH):c.697C>G (p.Arg233Gly)

Gene: SGSH (N-sulfoglucosamine sulfohydrolase; minus strand). Cytogenetic location: 17q25.3.
Variant type: single nucleotide variant.
Coding change: c.697C>G on transcript NM_000199.5 (MANE Select); coding-DNA position 697, C replaced by G.
Protein change: p.Arg233Gly; replaces arginine 233 with glycine.
Molecular consequence: missense variant. On other transcripts: non-coding transcript variant (1).
Genome position (GRCh38, 1-based): chr17:80,213,852, G>C on the plus strand (C>G on the coding strand, the complement: SGSH is on the minus strand). VCF-style: chr17-80213852-G-C. GRCh37 (hg19) VCF-style: chr17-78187651-G-C.
Other names: c.697C>G, p.Arg233Gly (NM_001352921.3, NM_001352922.2); short protein forms R233G.
Identifiers: ClinVar variation 642734 (VCV000642734.13), dbSNP rs374621913, ClinGen allele CA8817836.

ClinVar aggregate classification (germline): Uncertain significance. Review status: criteria provided, multiple submitters, no conflicts (2 of 4 stars). 4 submissions from 4 submitters: Uncertain significance (3). 1 of the submissions does not count toward it. Last evaluated 2024-08-21.

Conditions:
Mucopolysaccharidosis, MPS-III-A (MPS3A). Also called: Mucopolysaccharidosis, type IIIA; MPS IIIA (Sanfilippo Syndrome Type A); MPS III A; SANFILIPPO SYNDROME A; SULFAMIDASE DEFICIENCY; Mucopolysaccharidosis type IIIA (Sanfilippo A). Identifiers: Orphanet 581, Orphanet 79269, MedGen C0086647, MONDO:0009655, OMIM 252900.

Allele frequency attached by ClinVar (database versions not stated): TOPMed 0.00002.
gnomAD v4.1: 11 of 1,608,344 alleles (0.00068%); highest among the groups gnomAD compares: Admixed American, 0.005%; no homozygotes.

Submissions (4):

Women's Health and Genetics/Laboratory Corporation of America, LabCorp
Classification: Uncertain significance. Last evaluated: 2024-08-21. Review status: criteria provided, single submitter. Criteria: LabCorp Variant Classification Summary - May 2015. Collection method: clinical testing. Allele origin: germline.

Genome-Nilou Lab
Classification: Uncertain significance for Mucopolysaccharidosis, MPS-III-A. Last evaluated: 2021-11-07. Review status: criteria provided, single submitter. Criteria: ACMG Guidelines, 2015. Collection method: clinical testing. Allele origin: germline. Affected: no.

Labcorp Genetics (formerly Invitae), Labcorp
Classification: Uncertain significance for Mucopolysaccharidosis, MPS-III-A. Last evaluated: 2021-08-12. Review status: criteria provided, single submitter. Criteria: Invitae Variant Classification Sherloc (09022015). Collection method: clinical testing. Allele origin: germline.
Comment: This sequence change replaces arginine with glycine at codon 233 of the SGSH protein (p.Arg233Gly). The arginine residue is highly conserved and there is a moderate physicochemical difference between arginine and glycine. The frequency data for this variant in the population databases is considered unreliable, as metrics indicate poor data quality at this position in the ExAC database. This missense change has been observed in individual(s) with mucopolysaccharidosis type III (PMID: 24875751). Algorithms developed to predict the effect of missense changes on protein structure and function are either unavailable or do not agree on the potential impact of this missense change (SIFT: "Deleterious"; PolyPhen-2: "Probably Damaging"; Align-GVGD: "Class C0"). In summary, the available evidence is currently insufficient to determine the role of this variant in disease. Therefore, it has been classified as a Variant of Uncertain Significance.

Natera, Inc.
Classification: Uncertain significance for Mucopolysaccharidosis type IIIA. Last evaluated: 2020-09-01. Review status: no assertion criteria provided. Collection method: clinical testing. Allele origin: germline. Not counted in ClinVar's aggregate classification.

Literature cited by the submitters: PubMed 24875751 (cited by Labcorp Genetics (formerly Invitae), Labcorp).